The following is an entry in ClinVar:

ClinVar aggregate classification (germline): Likely benign. Review status: criteria provided, multiple submitters, no conflicts (2 of 4 stars). 5 submissions from 5 submitters: Likely benign (5). Last evaluated 2026-06-01.

Allele frequency attached by ClinVar (database versions not stated): 1000 Genomes Project 30x 0.00016; gnomAD 0.00025; TOPMed 0.00028; ESP Exome Variant Server 0.00032.
gnomAD v4.1: 917 of 1,613,948 alleles (0.057%); highest among the groups gnomAD compares: Non-Finnish European, 0.075%; no homozygotes.

Submissions (5):

CeGaT Center for Human Genetics Tuebingen
Classification: Likely benign. Last evaluated: 2026-06-01. Review status: criteria provided, single submitter. Criteria: CeGaT Center For Human Genetics Tuebingen Variant Classification Criteria Version 2. Collection method: clinical testing. Allele origin: germline. Affected: yes. Observed: 1 variant allele.
Comment: CDH23: BP4, BP7

Labcorp Genetics (formerly Invitae), Labcorp
Classification: Likely benign. Last evaluated: 2026-02-02. Review status: criteria provided, single submitter. Criteria: Invitae Variant Classification Sherloc (09022015). Collection method: clinical testing. Allele origin: germline.

Women's Health and Genetics/Laboratory Corporation of America, LabCorp
Classification: Likely benign. Last evaluated: 2025-12-09. Review status: criteria provided, single submitter. Criteria: LabCorp Variant Classification Summary - May 2015. Collection method: clinical testing. Allele origin: germline.

Blueprint Genetics
Classification: Likely benign. Last evaluated: 2024-07-11. Review status: criteria provided, single submitter. Criteria: ACMG Guidelines, 2015. Collection method: clinical testing. Allele origin: germline.

GeneDx
Classification: Likely benign. Last evaluated: 2021-05-19. Review status: criteria provided, single submitter. Criteria: GeneDx Variant Classification Process June 2021. Collection method: clinical testing. Allele origin: germline. Affected: yes.

NM_022124.6(CDH23):c.6453C>A (p.Thr2151=)

Gene: CDH23 (cadherin related 23; plus strand). Cytogenetic location: 10q22.1.
Variant type: single nucleotide variant.
Coding change: c.6453C>A on transcript NM_022124.6 (MANE Select); coding-DNA position 6453, C replaced by A.
Protein change: p.Thr2151=; no amino-acid change (threonine 2151 retained).
Molecular consequence: synonymous variant.
Genome position (GRCh38, 1-based): chr10:71,793,381, C>A. VCF-style: chr10-71793381-C-A. GRCh37 (hg19) VCF-style: chr10-73553138-C-A.
Identifiers: ClinVar variation 382775 (VCV000382775.18), dbSNP rs369701382, ClinGen allele CA5546088.